The following is an entry in ClinVar:

NM_001286.5(CLCN6):c.1121+6_1121+8del

Gene: CLCN6 (chloride voltage-gated channel 6; plus strand). Cytogenetic location: 1p36.22.
Variant type: Deletion.
Coding change: c.1121+6_1121+8del on transcript NM_001286.5 (MANE Select); bases 6 to 8 of the intron after coding-DNA position 1121, 3 bases deleted (TGC; older notation c.1121+6_1121+8delTGC).
Molecular consequence: intron variant.
Genome position (GRCh38, 1-based): chr1:11,828,630-11,828,632, TGC deleted; deleting any 3 consecutive bases within chr1:11,828,629-11,828,632 gives the same sequence; the c. name uses the placement nearest the transcript's 3' end. VCF-style (leftmost placement, unchanged base first): chr1-11828628-TCTG-T. GRCh37 (hg19) VCF-style: chr1-11888685-TCTG-T.
Other names: c.1055+6_1055+8del (NM_001256959.2).
Identifiers: ClinVar variation 1963748 (VCV001963748.5), dbSNP rs2523129700, ClinGen allele CA2580060534.

ClinVar aggregate classification (germline): Uncertain significance (1 of 4 stars; one submission).

Submission:

Labcorp Genetics (formerly Invitae), Labcorp
Classification: Uncertain significance. Last evaluated: 2024-02-03. Review status: criteria provided, single submitter. Criteria: Invitae Variant Classification Sherloc (09022015). Collection method: clinical testing. Allele origin: germline.
Comment: This sequence change falls in intron 12 of the CLCN6 gene. It does not directly change the encoded amino acid sequence of the CLCN6 protein. It affects a nucleotide within the consensus splice site. This variant is not present in population databases (gnomAD no frequency). This variant has not been reported in the literature in individuals affected with CLCN6-related conditions. ClinVar contains an entry for this variant (Variation ID: 1963748). Variants that disrupt the consensus splice site are a relatively common cause of aberrant splicing (PMID: 17576681, 9536098). Algorithms developed to predict the effect of sequence changes on RNA splicing suggest that this variant is not likely to affect RNA splicing. In summary, the available evidence is currently insufficient to determine the role of this variant in disease. Therefore, it has been classified as a Variant of Uncertain Significance.

Literature cited by the submitters: PubMed 17576681; PubMed 9536098.